The following is an entry in ClinVar:

NM_030787.4(CFHR5):c.1060A>G (p.Arg354Gly)

Gene: CFHR5 (complement factor H related 5; plus strand). Cytogenetic location: 1q31.3.
Variant type: single nucleotide variant.
Coding change: c.1060A>G on transcript NM_030787.4 (MANE Select); coding-DNA position 1060, A replaced by G.
Protein change: p.Arg354Gly; replaces arginine 354 with glycine.
Molecular consequence: missense variant.
Genome position (GRCh38, 1-based): chr1:196,998,217, A>G. VCF-style: chr1-196998217-A-G. GRCh37 (hg19) VCF-style: chr1-196967347-A-G.
Other names: short protein forms R354G.
Identifiers: ClinVar variation 2972631 (VCV002972631.4), dbSNP rs370149020, ClinGen allele CA1307948.

ClinVar aggregate classification (germline): Uncertain significance. Review status: criteria provided, multiple submitters, no conflicts (2 of 4 stars). 2 submissions from 2 submitters: Uncertain significance (2). Last evaluated 2025-06-12.

Conditions:
C3 glomerulonephritis. Also called: C3 GLOMERULOPATHY 3; Nephropathy due to CFHR5 Deficiency. Identifiers: Orphanet 329931, MedGen C4055342, MONDO:0013892, OMIM 614809.

Allele frequency attached by ClinVar (database versions not stated): gnomAD 0.00002; ExAC 0.00002; TOPMed 0.00003; ESP Exome Variant Server 0.00008.
gnomAD v4.1: 5 of 1,608,520 alleles (0.00031%); highest among the groups gnomAD compares: African/African-American, 0.0054%; no homozygotes.

Submissions (2):

Labcorp Genetics (formerly Invitae), Labcorp
Classification: Uncertain significance. Last evaluated: 2025-06-12. Review status: criteria provided, single submitter. Criteria: Invitae Variant Classification Sherloc (09022015). Collection method: clinical testing. Allele origin: germline.
Comment: This sequence change replaces arginine, which is basic and polar, with glycine, which is neutral and non-polar, at codon 354 of the CFHR5 protein (p.Arg354Gly). This variant is present in population databases (rs370149020, gnomAD 0.01%). This variant has not been reported in the literature in individuals affected with CFHR5-related conditions. ClinVar contains an entry for this variant (Variation ID: 2972631). Invitae Evidence Modeling of protein sequence and biophysical properties (such as structural, functional, and spatial information, amino acid conservation, physicochemical variation, residue mobility, and thermodynamic stability) indicates that this missense variant is not expected to disrupt CFHR5 protein function with a negative predictive value of 80%. Algorithms developed to predict the effect of sequence changes on RNA splicing suggest that this variant may disrupt the consensus splice site. In summary, the available evidence is currently insufficient to determine the role of this variant in disease. Therefore, it has been classified as a Variant of Uncertain Significance.

Fulgent Genetics
Classification: Uncertain significance for C3 glomerulonephritis. Last evaluated: 2024-05-17. Review status: criteria provided, single submitter. Criteria: ACMG Guidelines, 2015. Collection method: clinical testing. Allele origin: germline.